The following is an entry in ClinVar:

ClinVar aggregate classification (germline): Conflicting classifications of pathogenicity. Review status: criteria provided, conflicting classifications (1 of 4 stars). 8 submissions from 4 submitters: Uncertain significance (5); Benign (2); Likely benign (1). Last evaluated 2023-05-25.

Conditions:
Cardiovascular phenotype. Identifiers: MedGen CN230736.
Early-onset myopathy with fatal cardiomyopathy (CMYO5). Also called: CONGENITAL MYOPATHY 5 WITH CARDIOMYOPATHY; Salih Myopathy. Identifiers: Orphanet 289377, MedGen C2673677, MONDO:0012714, OMIM 611705. Disease mechanism: loss of function.
Tibial muscular dystrophy (TMD). Also called: Udd Distal Myopathy – Tibial Muscular Dystrophy; UDD MYOPATHY; Tibial muscular dystrophy, tardive. Identifiers: Orphanet 609, MedGen C1838244, MONDO:0010870, OMIM 600334.
Myopathy, myofibrillar, 9, with early respiratory failure (MFM9). Also called: Myopathy, distal, with early respiratory failure, autosomal dominant; Hereditary myopathy with early respiratory failure; EDSTROM MYOPATHY; MYOPATHY, PROXIMAL, WITH EARLY RESPIRATORY MUSCLE INVOLVEMENT. Identifiers: Orphanet 178464, Orphanet 34521, MedGen C1863599, MONDO:0011362, OMIM 603689.
Autosomal recessive limb-girdle muscular dystrophy type 2J (LGMDR10). Also called: MUSCULAR DYSTROPHY, LIMB-GIRDLE, AUTOSOMAL RECESSIVE 10; Limb-girdle muscular dystrophy, type 2J. Identifiers: Orphanet 140922, MedGen C1837342, MONDO:0012127, OMIM 608807.
Dilated cardiomyopathy 1G (CMD1G). Identifiers: Orphanet 154, MedGen C1858763, MONDO:0011400, OMIM 604145.

Allele frequency attached by ClinVar (database versions not stated): gnomAD exomes 0.00002 and 0.00006; TOPMed 0.00002; ExAC 0.00006.
gnomAD v4.1: 13 of 1,614,118 alleles (0.00081%); highest among the groups gnomAD compares: Admixed American, 0.022%; no homozygotes.

Submissions (8):

Revvity Omics, Revvity
Classification: Uncertain significance. Last evaluated: 2023-05-25. Review status: criteria provided, single submitter. Criteria: ACMG Guidelines, 2015. Collection method: clinical testing. Allele origin: germline.

Ambry Genetics
Classification: Likely benign for Cardiovascular phenotype. Last evaluated: 2020-03-18. Review status: criteria provided, single submitter. Criteria: Ambry Variant Classification Scheme 2023. Collection method: clinical testing. Allele origin: germline.

ARUP Laboratories, Molecular Genetics and Genomics, ARUP Laboratories
Classification: Uncertain significance. Last evaluated: 2018-04-11. Review status: criteria provided, single submitter. Criteria: ARUP Molecular Germline Variant Investigation Process. Collection method: clinical testing. Allele origin: germline.
Comment: The TTN c.9348C>G; p.Ile3116Met variant is rare in the general population (<1% allele frequency in the Genome Aggregation Database) and has not been reported in the medical literature in association with dilated cardiomyopathy (DCM) or other TTN-related disease. The clinical relevance of rare missense variants in this gene, which are identified on average once per individual sequenced in affected populations (Herman 2012), is not well understood. While the clinical significance of such variants is considered uncertain, evidence suggests that the vast majority of missense variants do not contribute to the clinical outcome of DCM (Begay 2015). Given the available evidence, the clinical significance of the p.Ile3116Met variant cannot be determined with certainty.

Illumina Laboratory Services, Illumina
Classification: Uncertain significance for Early-onset myopathy with fatal cardiomyopathy. Last evaluated: 2018-01-13. Review status: criteria provided, single submitter. Criteria: ICSL Variant Classification Criteria 13 December 2019. Collection method: clinical testing. Allele origin: germline.

Illumina Laboratory Services, Illumina
Classification: Uncertain significance for Autosomal recessive limb-girdle muscular dystrophy type 2J. Last evaluated: 2018-01-13. Review status: criteria provided, single submitter. Criteria: ICSL Variant Classification Criteria 13 December 2019. Collection method: clinical testing. Allele origin: germline.

Illumina Laboratory Services, Illumina
Classification: Benign for Tibial muscular dystrophy. Last evaluated: 2018-01-13. Review status: criteria provided, single submitter. Criteria: ICSL Variant Classification Criteria 13 December 2019. Collection method: clinical testing. Allele origin: germline.
Comment: This variant was observed in the ICSL laboratory as part of a predisposition screen in an ostensibly healthy population. It had not been previously curated by ICSL or reported in the Human Gene Mutation Database (HGMD: prior to June 1st, 2018), and was therefore a candidate for classification through an automated scoring system. Utilizing variant allele frequency, disease prevalence and penetrance estimates, and inheritance mode, an automated score was calculated to assess if this variant is too frequent to cause the disease. Based on the score and internal cut-off values, a variant classified as benign is not then subjected to further curation. The score for this variant resulted in a classification of benign for this disease.

Illumina Laboratory Services, Illumina
Classification: Benign for Myopathy, myofibrillar, 9, with early respiratory failure. Last evaluated: 2018-01-13. Review status: criteria provided, single submitter. Criteria: ICSL Variant Classification Criteria 13 December 2019. Collection method: clinical testing. Allele origin: germline.
Comment: the same text as in the submission from Illumina Laboratory Services, Illumina above.

Illumina Laboratory Services, Illumina
Classification: Uncertain significance for Dilated cardiomyopathy 1G. Last evaluated: 2018-01-13. Review status: criteria provided, single submitter. Criteria: ICSL Variant Classification Criteria 13 December 2019. Collection method: clinical testing. Allele origin: germline.

NM_001267550.2(TTN):c.9348C>G (p.Ile3116Met)

Gene: TTN (titin; minus strand). Cytogenetic location: 2q31.2.
Variant type: single nucleotide variant.
Coding change: c.9348C>G on transcript NM_001267550.2 (MANE Select); coding-DNA position 9348, C replaced by G.
Protein change: p.Ile3116Met; replaces isoleucine 3116 with methionine.
Molecular consequence: missense variant.
Genome position (GRCh38, 1-based): chr2:178,767,882, G>C on the plus strand (C>G on the coding strand, the complement: TTN is on the minus strand). VCF-style: chr2-178767882-G-C. GRCh37 (hg19) VCF-style: chr2-179632609-G-C.
Other names: c.9348C>G, p.Ile3116Met (NM_133378.4, NM_001256850.1, NM_133379.5); c.9210C>G, p.Ile3070Met (NM_003319.4, NM_133432.3, NM_133437.4); short protein forms I3116M, I3070M.
Identifiers: ClinVar variation 332942 (VCV000332942.15), dbSNP rs760230943, ClinGen allele CA2004349.